The following is an entry in ClinVar:

ClinVar aggregate classification (germline): Uncertain significance. Review status: criteria provided, multiple submitters, no conflicts (2 of 4 stars). 2 submissions from 2 submitters: Uncertain significance (2). Last evaluated 2026-05-08.

Conditions:
Hereditary cancer-predisposing syndrome. Also called: Hereditary Cancer Syndrome; Neoplastic Syndromes, Hereditary; Tumor predisposition; Hereditary neoplastic syndrome. Identifiers: Orphanet 140162, MedGen C0027672, MeSH D009386, MONDO:0015356.
Tuberous sclerosis 1 (TSC1). Identifiers: Orphanet 805, MedGen C1854465, MONDO:0008612, OMIM 191100.

Allele frequency attached by ClinVar (database versions not stated): gnomAD exomes below 0.00001; TOPMed below 0.00001.
gnomAD v4.1: 1 of 1,614,138 alleles (0.000062%); highest among the groups gnomAD compares: Admixed American, 0.0017%; no homozygotes.

Submissions (2):

Ambry Genetics
Classification: Uncertain significance for Hereditary cancer-predisposing syndrome. Last evaluated: 2026-05-08. Review status: criteria provided, single submitter. Criteria: Ambry Variant Classification Scheme 2023. Collection method: clinical testing. Allele origin: germline.
Comment: The p.C259Y variant (also known as c.776G>A), located in coding exon 7 of the TSC1 gene, results from a G to A substitution at nucleotide position 776. The cysteine at codon 259 is replaced by tyrosine, an amino acid with highly dissimilar properties. This amino acid position is highly conserved in available vertebrate species. In addition, this alteration is predicted to be deleterious by in silico analysis. Based on the available evidence, the clinical significance of this variant remains unclear.

Labcorp Genetics (formerly Invitae), Labcorp
Classification: Uncertain significance for Tuberous sclerosis 1. Last evaluated: 2019-08-24. Review status: criteria provided, single submitter. Criteria: Invitae Variant Classification Sherloc (09022015). Collection method: clinical testing. Allele origin: germline.
Comment: In summary, the available evidence is currently insufficient to determine the role of this variant in disease. Therefore, it has been classified as a Variant of Uncertain Significance. Algorithms developed to predict the effect of missense changes on protein structure and function are either unavailable or do not agree on the potential impact of this missense change (SIFT: "Deleterious"; PolyPhen-2: "Probably Damaging"; Align-GVGD: "Class C0"). This variant has not been reported in the literature in individuals with TSC1-related conditions. This variant is not present in population databases (ExAC no frequency). This sequence change replaces cysteine with tyrosine at codon 259 of the TSC1 protein (p.Cys259Tyr). The cysteine residue is highly conserved and there is a large physicochemical difference between cysteine and tyrosine.

NM_000368.5(TSC1):c.776G>A (p.Cys259Tyr)

Gene: TSC1 (TSC complex subunit 1; minus strand). Cytogenetic location: 9q34.13.
Variant type: single nucleotide variant.
Coding change: c.776G>A on transcript NM_000368.5 (MANE Select); coding-DNA position 776, G replaced by A.
Protein change: p.Cys259Tyr; replaces cysteine 259 with tyrosine.
Molecular consequence: missense variant.
Genome position (GRCh38, 1-based): chr9:132,912,419, C>T on the plus strand (G>A on the coding strand, the complement: TSC1 is on the minus strand). VCF-style: chr9-132912419-C-T. GRCh37 (hg19) VCF-style: chr9-135787806-C-T.
Other names: c.776G>A, p.Cys259Tyr (NM_001162426.2); c.623G>A, p.Cys208Tyr (NM_001162427.2); c.413G>A, p.Cys138Tyr (NM_001362177.2); short protein forms C208Y, C259Y, C138Y.
Identifiers: ClinVar variation 942997 (VCV000942997.11), dbSNP rs1459280532, ClinGen allele CA375369574.